The following is an entry in ClinVar:

NM_000388.4(CASR):c.2389C>A (p.Leu797Met)

Gene: CASR (calcium sensing receptor; plus strand). Cytogenetic location: 3q21.1.
Variant type: single nucleotide variant.
Coding change: c.2389C>A on transcript NM_000388.4 (MANE Select); coding-DNA position 2389, C replaced by A.
Protein change: p.Leu797Met; replaces leucine 797 with methionine.
Molecular consequence: missense variant.
Genome position (GRCh38, 1-based): chr3:122,284,343, C>A. VCF-style: chr3-122284343-C-A. GRCh37 (hg19) VCF-style: chr3-122003190-C-A.
Other names: c.2419C>A, p.Leu807Met (NM_001178065.2); short protein forms L807M, L797M.
Identifiers: ClinVar variation 1036319 (VCV001036319.9), dbSNP rs866506433, ClinGen allele CA354159689.

ClinVar aggregate classification (germline): Uncertain significance (1 of 4 stars; one submission).

Conditions:
Autosomal dominant hypocalcemia 1 (HYPOC1). Also called: HYPOCALCEMIA, FAMILIAL. Identifiers: MedGen C3715128, MONDO:0011013, OMIM 601198.
Familial hypocalciuric hypercalcemia (FHH). Also called: Familial benign hypercalcemia. Identifiers: Orphanet 405, MedGen C1809471, MONDO:0018458.

Submission:

Labcorp Genetics (formerly Invitae), Labcorp
Classification: Uncertain significance for Familial hypocalciuric hypercalcemia; Autosomal dominant hypocalcemia 1. Last evaluated: 2025-07-30. Review status: criteria provided, single submitter. Criteria: Invitae Variant Classification Sherloc (09022015). Collection method: clinical testing. Allele origin: germline.
Comment: This sequence change replaces leucine, which is neutral and non-polar, with methionine, which is neutral and non-polar, at codon 797 of the CASR protein (p.Leu797Met). This variant is not present in population databases (gnomAD no frequency). This variant has not been reported in the literature in individuals affected with CASR-related conditions. ClinVar contains an entry for this variant (Variation ID: 1036319). An algorithm developed to predict the effect of missense changes on protein structure and function (PolyPhen-2) suggests that this variant is likely to be disruptive. In summary, the available evidence is currently insufficient to determine the role of this variant in disease. Therefore, it has been classified as a Variant of Uncertain Significance.